The following is an entry in ClinVar:

NM_000081.4(LYST):c.6432A>G (p.Ser2144=)

Gene: LYST (lysosomal trafficking regulator; minus strand). Cytogenetic location: 1q42.3.
Variant type: single nucleotide variant.
Coding change: c.6432A>G on transcript NM_000081.4 (MANE Select); coding-DNA position 6432, A replaced by G.
Protein change: p.Ser2144=; no amino-acid change (serine 2144 retained).
Molecular consequence: synonymous variant.
Genome position (GRCh38, 1-based): chr1:235,759,421, T>C on the plus strand (A>G on the coding strand, the complement: LYST is on the minus strand). VCF-style: chr1-235759421-T-C. GRCh37 (hg19) VCF-style: chr1-235922721-T-C.
Other names: p.Ser2144=; c.6432A>G, p.Ser2144= (NM_001301365.1).
Identifiers: ClinVar variation 705862 (VCV000705862.15), dbSNP rs145080654, ClinGen allele CA1466377.

ClinVar aggregate classification (germline): Likely benign. Review status: criteria provided, multiple submitters, no conflicts (2 of 4 stars). 6 submissions from 6 submitters: Likely benign (4). 2 of the submissions do not count toward it. Last evaluated 2026-01-11.

Conditions:
Chédiak-Higashi syndrome (CHS). Also called: Chediak-Higashi Syndrome. Identifiers: Orphanet 167, MedGen C0007965, MONDO:0008963, OMIM 214500.

Allele frequency attached by ClinVar (database versions not stated): gnomAD exomes 0.00006 and 0.00017; TOPMed 0.00008; ExAC 0.00010; gnomAD 0.00011; 1000 Genomes Project 30x 0.00016; 1000 Genomes Project 0.00020; ESP Exome Variant Server 0.00023.
gnomAD v4.1: 258 of 1,614,146 alleles (0.016%); highest among the groups gnomAD compares: Non-Finnish European, 0.021%; no homozygotes.

Submissions (6):

Labcorp Genetics (formerly Invitae), Labcorp
Classification: Likely benign for Chédiak-Higashi syndrome. Last evaluated: 2026-01-11. Review status: criteria provided, single submitter. Criteria: Invitae Variant Classification Sherloc (09022015). Collection method: clinical testing. Allele origin: germline.

Mayo Clinic Laboratories, Mayo Clinic
Classification: Likely benign. Last evaluated: 2025-05-16. Review status: criteria provided, single submitter. Criteria: ACMG Guidelines, 2015. Collection method: clinical testing. Allele origin: germline. Observed: 1 variant allele.
Comment: BP4, BP7

Women's Health and Genetics/Laboratory Corporation of America, LabCorp
Classification: Likely benign. Last evaluated: 2025-03-04. Review status: criteria provided, single submitter. Criteria: LabCorp Variant Classification Summary - May 2015. Collection method: clinical testing. Allele origin: germline.

Blueprint Genetics
Classification: Likely benign. Last evaluated: 2024-06-26. Review status: criteria provided, single submitter. Criteria: ACMG Guidelines, 2015. Collection method: clinical testing. Allele origin: germline.

Clinical Genetics DNA and cytogenetics Diagnostics Lab, Erasmus MC, Erasmus Medical Center
Classification: Likely benign. Review status: no assertion criteria provided. Collection method: clinical testing. Allele origin: germline. Affected: yes. Study: VKGL Data-share Consensus. Not counted in ClinVar's aggregate classification.

Genome Diagnostics Laboratory, University Medical Center Utrecht
Classification: Likely benign. Review status: no assertion criteria provided. Collection method: clinical testing. Allele origin: germline. Affected: yes. Study: VKGL Data-share Consensus. Not counted in ClinVar's aggregate classification.